The following is an entry in ClinVar:

ClinVar aggregate classification (germline): Pathogenic (1 of 4 stars; one submission).

Submission:

Labcorp Genetics (formerly Invitae), Labcorp
Classification: Pathogenic. Last evaluated: 2023-09-21. Review status: criteria provided, single submitter. Criteria: Invitae Variant Classification Sherloc (09022015). Collection method: clinical testing. Allele origin: germline.
Comment: For these reasons, this variant has been classified as Pathogenic. This variant disrupts a region of the ZNF469 protein in which other variant(s) (p.Pro3556Glnfs*136) have been determined to be pathogenic (PMID: 32671420). This suggests that this is a clinically significant region of the protein, and that variants that disrupt it are likely to be disease-causing. This variant has not been reported in the literature in individuals affected with ZNF469-related conditions. This variant is present in population databases (no rsID available, gnomAD 0.01%). This sequence change creates a premature translational stop signal (p.Asp2783Thrfs*59) in the ZNF469 gene. While this is not anticipated to result in nonsense mediated decay, it is expected to disrupt the last 1143 amino acid(s) of the ZNF469 protein.

Literature cited by the submitters: PubMed 32671420.

NM_001367624.2(ZNF469):c.8431del (p.Asp2811fs)

Gene: ZNF469 (zinc finger protein 469; plus strand). Cytogenetic location: 16q24.2.
Variant type: Deletion.
Coding change: c.8431del on transcript NM_001367624.2 (MANE Select); coding-DNA position 8431, one base deleted (G; older notation c.8431delG).
Protein change: p.Asp2811fs; shifts the reading frame from aspartic acid 2811.
Molecular consequence: frameshift variant.
Genome position (GRCh38, 1-based): chr16:88,435,901, G deleted; the last of 2 consecutive G bases (chr16:88,435,900-88,435,901); deleting either gives the same sequence. VCF-style (leftmost placement, unchanged base first): chr16-88435899-CG-C. GRCh37 (hg19) VCF-style: chr16-88502307-CG-C.
Other names: short protein forms D2811fs.
Identifiers: ClinVar variation 2762377 (VCV002762377.3), dbSNP rs1567515498, ClinGen allele CA624447619.
Genomic context (GRCh38, chr16:88,435,899, plus strand): 5'-GGGAGGAGAACACGCCCCCCTTGGGCCCCCTGGGTTTTCCCGAGACTTCCAGCTCTCCGG[CG>C]GACAGCACCACCAGCAGCTGCCTCCAGGGCCTCCCGGACAACCCAGACACCCAGGGTGGA-3'